The following is an entry in ClinVar:

ClinVar aggregate classification (germline): Benign. Review status: criteria provided, multiple submitters, no conflicts (2 of 4 stars). 6 submissions from 6 submitters: Benign (6). Last evaluated 2026-10-01.

Conditions:
Spastic paraplegia. Identifiers: MedGen C0037772, HP:0001258.
Hereditary spastic paraplegia. Also called: Familial spastic paraparesis. Identifiers: Orphanet 685, MedGen C0037773, MONDO:0019064. Disease mechanism: loss of function.

Allele frequency attached by ClinVar (database versions not stated): ExAC 0.00804; ESP Exome Variant Server 0.00830; TOPMed 0.00679; gnomAD 0.00716 and 0.00736; gnomAD exomes 0.00756; 1000 Genomes Project 30x 0.00234; 1000 Genomes Project 0.00260.
gnomAD v4.1: 15,151 of 1,613,850 alleles (0.94%); highest among the groups gnomAD compares: Non-Finnish European, 1.1%; 103 homozygotes.

Submissions (6):

CeGaT Center for Human Genetics Tuebingen
Classification: Benign. Last evaluated: 2026-10-01. Review status: criteria provided, single submitter. Criteria: CeGaT Center For Human Genetics Tuebingen Variant Classification Criteria Version 2. Collection method: clinical testing. Allele origin: germline. Affected: yes. Observed: 40 variant alleles.
Comment: GBA2: BP4, BS1, BS2

Labcorp Genetics (formerly Invitae), Labcorp
Classification: Benign for Spastic paraplegia. Last evaluated: 2026-01-16. Review status: criteria provided, single submitter. Criteria: Invitae Variant Classification Sherloc (09022015). Collection method: clinical testing. Allele origin: germline.

Genome Diagnostics Laboratory, The Hospital for Sick Children
Classification: Benign for Hereditary spastic paraplegia. Last evaluated: 2022-01-04. Review status: criteria provided, single submitter. Criteria: ACMG Guidelines, 2015. Collection method: clinical testing. Allele origin: germline. Affected: yes.

Mayo Clinic Laboratories, Mayo Clinic
Classification: Benign. Last evaluated: 2019-11-04. Review status: criteria provided, single submitter. Criteria: ACMG Guidelines, 2015. Collection method: clinical testing. Allele origin: germline. Observed: 38 variant alleles.

GeneDx
Classification: Benign. Last evaluated: 2016-05-04. Review status: criteria provided, single submitter. Criteria: GeneDx Variant Classification (06012015). Collection method: clinical testing. Allele origin: germline. Affected: yes.
Comment: This variant is considered likely benign or benign based on one or more of the following criteria: it is a conservative change, it occurs at a poorly conserved position in the protein, it is predicted to be benign by multiple in silico algorithms, and/or has population frequency not consistent with disease.

Breakthrough Genomics
Classification: Benign. Review status: criteria provided, single submitter. Criteria: ACMG Guidelines, 2015. Collection method: not provided. Allele origin: germline. Inheritance: Autosomal recessive inheritance. Affected: yes.

NM_020944.3(GBA2):c.946G>A (p.Gly316Arg)

Gene: GBA2 (glucosylceramidase beta 2; minus strand). Cytogenetic location: 9p13.3.
Variant type: single nucleotide variant.
Coding change: c.946G>A on transcript NM_020944.3 (MANE Select); coding-DNA position 946, G replaced by A.
Protein change: p.Gly316Arg; replaces glycine 316 with arginine.
Molecular consequence: missense variant.
Genome position (GRCh38, 1-based): chr9:35,740,905, C>T on the plus strand (G>A on the coding strand, the complement: GBA2 is on the minus strand). VCF-style: chr9-35740905-C-T. GRCh37 (hg19) VCF-style: chr9-35740902-C-T.
Other names: p.Gly316Arg; c.946G>A, p.Gly316Arg (NM_001330660.2); short protein forms G316R.
Identifiers: ClinVar variation 241331 (VCV000241331.44), dbSNP rs113785628, ClinGen allele CA5050579.